The following is an entry in ClinVar:

NM_001098518.2(ADGRF5):c.1482T>C (p.Ser494=)

Gene: ADGRF5 (adhesion G protein-coupled receptor F5; minus strand). Cytogenetic location: 6p12.3.
Variant type: single nucleotide variant.
Coding change: c.1482T>C on transcript NM_001098518.2 (MANE Select); coding-DNA position 1482, T replaced by C.
Protein change: p.Ser494=; no amino-acid change (serine 494 retained).
Molecular consequence: synonymous variant.
Genome position (GRCh38, 1-based): chr6:46,869,022, A>G on the plus strand (T>C on the coding strand, the complement: ADGRF5 is on the minus strand). VCF-style: chr6-46869022-A-G. GRCh37 (hg19) VCF-style: chr6-46836759-A-G.
Other names: c.1482T>C, p.Ser494= (NM_015234.5).
Identifiers: ClinVar variation 4820918 (VCV004820918.4).
Genomic context (GRCh38, chr6:46,869,022, plus strand): 5'-TTGGTATATTTTAATTCCAGCAGAAGTGTTCCAATAAACCTCATCATAGTTACTCACATC[A>G]CTGATGCATTTTATAGAAAAGTTTTGTCCCTCAGAAACAGAAATTGGGTCCGGGGTTATT-3'
Protein context (NP_001091988.1, residues 484-504): EGQNFSIKCI[Ser494=]DVSNYDEVYW

ClinVar aggregate classification (germline): Likely benign (1 of 4 stars; one submission).

gnomAD v4.1: 684 of 1,613,558 alleles (0.042%); highest among the groups gnomAD compares: African/African-American, 0.81%; no homozygotes.

Submission:

CeGaT Center for Human Genetics Tuebingen
Classification: Likely benign. Last evaluated: 2026-01-01. Review status: criteria provided, single submitter. Criteria: CeGaT Center For Human Genetics Tuebingen Variant Classification Criteria Version 2. Collection method: clinical testing. Allele origin: germline. Affected: yes. Observed: 1 variant allele.
Comment: ADGRF5: BP4, BP7